The following is an entry in ClinVar:

ClinVar aggregate classification (germline): Benign. Review status: criteria provided, multiple submitters, no conflicts (2 of 4 stars). 2 submissions from 2 submitters: Benign (2). Last evaluated 2025-11-01.

Conditions:
Pyogenic arthritis-pyoderma gangrenosum-acne syndrome (PAPA). Also called: PAPA SYNDROME; FAMILIAL RECURRENT ARTHRITIS. Identifiers: Orphanet 69126, MedGen C1858361, MONDO:0011462, OMIM 604416.

Allele frequency attached by ClinVar (database versions not stated): gnomAD 0.00014 and 0.00023; TOPMed 0.00030; 1000 Genomes Project 30x 0.00062; 1000 Genomes Project 0.00080.
gnomAD v4.1: 302 of 1,326,742 alleles (0.023%); highest among the groups gnomAD compares: East Asian, 0.34%; 1 homozygote.

Submissions (2):

CeGaT Center for Human Genetics Tuebingen
Classification: Benign. Last evaluated: 2025-11-01. Review status: criteria provided, single submitter. Criteria: CeGaT Center For Human Genetics Tuebingen Variant Classification Criteria Version 2. Collection method: clinical testing. Allele origin: germline. Affected: yes. Observed: 1 variant allele.
Comment: PSTPIP1: BS1, BS2

Illumina Laboratory Services, Illumina
Classification: Benign for Pyogenic arthritis-pyoderma gangrenosum-acne syndrome. Last evaluated: 2018-01-12. Review status: criteria provided, single submitter. Criteria: ICSL Variant Classification Criteria 13 December 2019. Collection method: clinical testing. Allele origin: germline.
Comment: This variant was observed in the ICSL laboratory as part of a predisposition screen in an ostensibly healthy population. It had not been previously curated by ICSL or reported in the Human Gene Mutation Database (HGMD: prior to June 1st, 2018), and was therefore a candidate for classification through an automated scoring system. Utilizing variant allele frequency, disease prevalence and penetrance estimates, and inheritance mode, an automated score was calculated to assess if this variant is too frequent to cause the disease. Based on the score and internal cut-off values, a variant classified as benign is not then subjected to further curation. The score for this variant resulted in a classification of benign for this disease.

NM_003978.5(PSTPIP1):c.*121C>T

Gene: PSTPIP1 (proline-serine-threonine phosphatase interacting protein 1; plus strand). Cytogenetic location: 15q24.3.
Variant type: single nucleotide variant.
Coding change: c.*121C>T on transcript NM_003978.5 (MANE Select); 121 bases downstream of the stop codon, C replaced by T.
Molecular consequence: 3 prime UTR variant. On other transcripts: non-coding transcript variant (1).
Genome position (GRCh38, 1-based): chr15:77,037,297, C>T. VCF-style: chr15-77037297-C-T. GRCh37 (hg19) VCF-style: chr15-77329638-C-T.
Other names: c.*121C>T (NM_001321135.2, NM_001321136.2, NM_001321137.1).
Identifiers: ClinVar variation 317193 (VCV000317193.11), dbSNP rs566906535, ClinGen allele CA10647435.